The following is an entry in ClinVar:

NM_032242.4(PLXNA1):c.3364C>T (p.Arg1122Trp)

Gene: PLXNA1 (plexin A1; plus strand). Cytogenetic location: 3q21.3.
Variant type: single nucleotide variant.
Coding change: c.3364C>T on transcript NM_032242.4 (MANE Select); coding-DNA position 3364, C replaced by T.
Protein change: p.Arg1122Trp; replaces arginine 1122 with tryptophan.
Molecular consequence: missense variant.
Genome position (GRCh38, 1-based): chr3:127,017,512, C>T. VCF-style: chr3-127017512-C-T. GRCh37 (hg19) VCF-style: chr3-126736355-C-T.
Other names: short protein forms R1122W.
Identifiers: ClinVar variation 3058511 (VCV003058511.3), dbSNP rs765712162, ClinGen allele CA2593998.

ClinVar aggregate classification (germline): Uncertain significance (1 of 4 stars; one submission).

Conditions:
PLXNA1-related disorder. Also called: PLXNA1-related condition.

Allele frequency attached by ClinVar (database versions not stated): gnomAD 0.00001; ExAC 0.00003; TOPMed 0.00003.
gnomAD v4.1: 23 of 1,613,490 alleles (0.0014%); highest among the groups gnomAD compares: South Asian, 0.0077%; 1 homozygote.

Submission:

PreventionGenetics, part of Exact Sciences
Classification: Uncertain significance for PLXNA1-related condition. Last evaluated: 2026-06-09. Review status: criteria provided, single submitter. Criteria: ACMG Guidelines, 2015. Collection method: clinical testing. Allele origin: germline.
Comment: The PLXNA1 c.3364C>T variant is predicted to result in the amino acid substitution p.Arg1122Trp. This variant has been reported in an individual with Parkinson disease (Supplementary Table 1 in Li et al. 2022. PubMed ID: 37397528). This variant is reported in 0.013% of alleles in individuals of South Asian descent in gnomAD including one homozygous individual. At this time, the clinical significance of this variant is uncertain due to the absence of conclusive functional and genetic evidence.